The following is an entry in ClinVar:

NM_015272.5(RPGRIP1L):c.3857G>A (p.Gly1286Asp)

Gene: RPGRIP1L (RPGRIP1 like; minus strand). Cytogenetic location: 16q12.2.
Variant type: single nucleotide variant.
Coding change: c.3857G>A on transcript NM_015272.5 (MANE Select); coding-DNA position 3857, G replaced by A.
Protein change: p.Gly1286Asp; replaces glycine 1286 with aspartic acid.
Molecular consequence: missense variant.
Genome position (GRCh38, 1-based): chr16:53,602,167, C>T on the plus strand (G>A on the coding strand, the complement: RPGRIP1L is on the minus strand). VCF-style: chr16-53602167-C-T. GRCh37 (hg19) VCF-style: chr16-53636079-C-T.
Other names: c.3617G>A, p.Gly1206Asp (NM_001127897.4); c.3719G>A, p.Gly1240Asp (NM_001308334.3); c.3755G>A, p.Gly1252Asp (NM_001330538.2); short protein forms G1286D, G1240D, G1206D, G1252D.
Identifiers: ClinVar variation 4994990 (VCV004994990.1).
Genomic context (GRCh38, chr16:53,602,167, plus strand): 5'-TAGACAGACTGGAGGGCATGGAGAGCTTCGACTGTTACCCTGAGCTTGCCAATACCTTCA[C>T]CATCTGCTCGTGCATCAAAAACTAGGGAGAAAAGAGCAGGAAAGTGTTAATATCATTCAA-3'
Protein context (NP_056087.2, residues 1276-1296): NIDVFDARAD[Gly1286Asp]EGIGKLRVTV

ClinVar aggregate classification (germline): Uncertain significance (1 of 4 stars; one submission).

Conditions:
RPGRIP1L-related disorder. Also called: RPGRIP1L-related condition; RPGRIP1L-related disorders. Identifiers: MedGen CN239416.

gnomAD v4.1: 6 of 1,613,276 alleles (0.00037%); highest among the groups gnomAD compares: Non-Finnish European, 0.00051%; no homozygotes.

Submission:

PreventionGenetics, part of Exact Sciences
Classification: Uncertain significance for RPGRIP1L-related condition. Last evaluated: 2026-06-11. Review status: criteria provided, single submitter. Criteria: ACMG Guidelines, 2015. Collection method: clinical testing. Allele origin: germline.
Comment: The RPGRIP1L c.3857G>A variant is predicted to result in the amino acid substitution p.Gly1286Asp. To our knowledge, this variant has not been reported in the literature. This variant is reported in 0.00089% of alleles in individuals of European (Non-Finnish) descent in gnomAD. At this time, the clinical significance of this variant is uncertain due to the absence of conclusive functional and genetic evidence.